The following is an entry in ClinVar:

ClinVar aggregate classification (germline): Pathogenic (1 of 4 stars; one submission).

Submission:

Geisinger Autism and Developmental Medicine Institute, Geisinger Health System
Classification: Pathogenic. Last evaluated: 2018-04-05. Review status: criteria provided, single submitter. Criteria: ACMG CNV Guidelines, 2011. Collection method: provider interpretation. Allele origin: de novo.
Comment: Renal ultrasound was normal. Notable facial features include a long, narrow face, upslanting palpebral fissures, infraorbital creases, bulbous nasal tip, anteverted nares, and mild retrognathia. These copy number variants are a result of a de novo rearrangement: 46,X,der(X)t(X;15)(p11.4;q11.2).

NC_000023.11:g.619344_661411del

Genes: SHOX (SHOX homeobox; plus strand), LOC107652445 (meiotic recombination hotspot SHOX; plus strand). Cytogenetic location: Yp11.2.
Variant type: Deletion.
Identifiers: ClinVar variation 560050 (VCV000560050.4).